The following is an entry in ClinVar:

ClinVar aggregate classification (germline): Uncertain significance (1 of 4 stars; one submission).

Submission:

Labcorp Genetics (formerly Invitae), Labcorp
Classification: Uncertain significance. Last evaluated: 2025-03-23. Review status: criteria provided, single submitter. Criteria: Invitae Variant Classification Sherloc (09022015). Collection method: clinical testing. Allele origin: germline.
Comment: This sequence change replaces proline, which is neutral and non-polar, with serine, which is neutral and polar, at codon 442 of the CAMK2B protein (p.Pro442Ser). This variant is not present in population databases (gnomAD no frequency). This variant has not been reported in the literature in individuals affected with CAMK2B-related conditions. An algorithm developed to predict the effect of missense changes on protein structure and function outputs the following: PolyPhen-2: "Benign". The serine amino acid residue is found in multiple mammalian species, which suggests that this missense change does not adversely affect protein function. In summary, the available evidence is currently insufficient to determine the role of this variant in disease. Therefore, it has been classified as a Variant of Uncertain Significance.

NM_001220.5(CAMK2B):c.1324C>T (p.Pro442Ser)

Gene: CAMK2B (calcium/calmodulin dependent protein kinase II beta; minus strand). Cytogenetic location: 7p13.
Variant type: single nucleotide variant.
Coding change: c.1324C>T on transcript NM_001220.5 (MANE Select); coding-DNA position 1324, C replaced by T.
Protein change: p.Pro442Ser; replaces proline 442 with serine.
Molecular consequence: missense variant. On other transcripts: intron variant (8).
Genome position (GRCh38, 1-based): chr7:44,229,403, G>A on the plus strand (C>T on the coding strand, the complement: CAMK2B is on the minus strand). VCF-style: chr7-44229403-G-A. GRCh37 (hg19) VCF-style: chr7-44269002-G-A.
Other names: c.1225+1603C>T (NM_001293170.2, NM_172078.3); c.947-8502C>T (NM_172084.3); c.1150+1603C>T (NM_172080.3); c.1036+1603C>T (NM_172083.3); c.1108+1603C>T (NM_172081.3); c.1153+1603C>T (NM_172079.3, NM_172082.3); short protein forms P442S.
Identifiers: ClinVar variation 3623766 (VCV003623766.2).